The following is an entry in ClinVar:

NM_007194.4(CHEK2):c.1439C>A (p.Ala480Asp)

Gene: CHEK2 (checkpoint kinase 2; minus strand). Cytogenetic location: 22q12.1.
Variant type: single nucleotide variant.
Coding change: c.1439C>A on transcript NM_007194.4 (MANE Select); coding-DNA position 1439, C replaced by A.
Protein change: p.Ala480Asp; replaces alanine 480 with aspartic acid.
Molecular consequence: missense variant.
Genome position (GRCh38, 1-based): chr22:28,694,054, G>T on the plus strand (C>A on the coding strand, the complement: CHEK2 is on the minus strand). VCF-style: chr22-28694054-G-T. GRCh37 (hg19) VCF-style: chr22-29090042-G-T.
Other names: c.1568C>A, p.Ala523Asp (NM_001005735.3); c.776C>A, p.Ala259Asp (NM_001257387.3); c.1238C>A, p.Ala413Asp (NM_001349956.3); c.1352C>A, p.Ala451Asp (NM_145862.3); short protein forms A413D, A451D, A523D, A259D, A480D.
Identifiers: ClinVar variation 3832930 (VCV003832930.1).

ClinVar aggregate classification (germline): Uncertain significance (1 of 4 stars; one submission).

Conditions:
Hereditary cancer-predisposing syndrome. Also called: Hereditary neoplastic syndrome; Neoplastic Syndromes, Hereditary; Tumor predisposition; Hereditary Cancer Syndrome. Identifiers: Orphanet 140162, MedGen C0027672, MeSH D009386, MONDO:0015356.

Submission:

Ambry Genetics
Classification: Uncertain significance for Hereditary cancer-predisposing syndrome. Last evaluated: 2024-12-22. Review status: criteria provided, single submitter. Criteria: Ambry Variant Classification Scheme 2023. Collection method: clinical testing. Allele origin: germline.
Comment: The p.A480D variant (also known as c.1439C>A), located in coding exon 12 of the CHEK2 gene, results from a C to A substitution at nucleotide position 1439. The alanine at codon 480 is replaced by aspartic acid, an amino acid with dissimilar properties. This amino acid position is conserved. In addition, this alteration is predicted to be deleterious by in silico analysis. Based on the available evidence, the clinical significance of this variant remains unclear.